The following is an entry in ClinVar:

ClinVar aggregate classification (germline): Uncertain significance (1 of 4 stars; one submission).

gnomAD v4.1: 2 of 1,534,138 alleles (0.00013%); highest among the groups gnomAD compares: Admixed American, 0.002%; no homozygotes.

Submission:

GeneDx
Classification: Uncertain significance. Last evaluated: 2026-03-26. Review status: criteria provided, single submitter. Criteria: GeneDx Variant Classification Process June 2021. Collection method: clinical testing. Allele origin: germline.
Comment: Not observed at significant frequency in large population cohorts (gnomAD); In silico analysis supports a deleterious effect on splicing; Has not been previously published as pathogenic or benign to our knowledge; Reported using an alternate transcript of the gene

NM_001018005.2(TPM1):c.240+4460A>C

Genes: TPM1 (tropomyosin 1; plus strand), TPM1-AS (TPM1 antisense RNA; minus strand), LOC130057222 (ATAC-STARR-seq lymphoblastoid silent region 6507; plus strand). Cytogenetic location: 15q22.2.
Variant type: single nucleotide variant.
Coding change: c.240+4460A>C on transcript NM_001018005.2 (MANE Select); 4460 bases into the intron after coding-DNA position 240, A replaced by C.
Molecular consequence: intron variant. On other transcripts: non-coding transcript variant (5), missense variant (12).
Genome position (GRCh38, 1-based): chr15:63,048,612, A>C. VCF-style: chr15-63048612-A-C. GRCh37 (hg19) VCF-style: chr15-63340811-A-C.
Other names: c.240+4460A>C (NM_001018006.2, NM_001365776.1, NM_001018004.2 and 10 more transcripts); c.366+4460A>C (NM_001407323.1, NM_001407322.1, NM_001407324.1 and 1 more transcripts); c.240+4781A>C (NM_001407334.1, NM_001407335.1, NM_001407329.1 and 7 more transcripts); c.37A>C, p.Lys13Gln (NM_001018008.2, NM_001301289.2, NM_001330344.2 and 9 more transcripts); short protein forms K13Q.
Identifiers: ClinVar variation 5018469 (VCV005018469.1).